The following is an entry in ClinVar:

ClinVar aggregate classification (germline): Uncertain significance. Review status: criteria provided, multiple submitters, no conflicts (2 of 4 stars). 2 submissions from 2 submitters: Uncertain significance (2). Last evaluated 2022-05-27.

Allele frequency attached by ClinVar (database versions not stated): gnomAD 0.00001; gnomAD exomes 0.00001 and 0.00002; ExAC 0.00002; TOPMed 0.00002; 1000 Genomes Project 30x 0.00016.
gnomAD v4.1: 22 of 1,613,766 alleles (0.0014%); highest among the groups gnomAD compares: South Asian, 0.012%; no homozygotes.

Submissions (2):

Labcorp Genetics (formerly Invitae), Labcorp
Classification: Uncertain significance. Last evaluated: 2022-05-27. Review status: criteria provided, single submitter. Criteria: Invitae Variant Classification Sherloc (09022015). Collection method: clinical testing. Allele origin: germline.
Comment: This sequence change replaces serine, which is neutral and polar, with leucine, which is neutral and non-polar, at codon 694 of the KIAA1549 protein (p.Ser694Leu). In summary, the available evidence is currently insufficient to determine the role of this variant in disease. Therefore, it has been classified as a Variant of Uncertain Significance. Algorithms developed to predict the effect of missense changes on protein structure and function are either unavailable or do not agree on the potential impact of this missense change (SIFT: "Deleterious"; PolyPhen-2: "Benign"; Align-GVGD: "Class C0"). This variant has not been reported in the literature in individuals affected with KIAA1549-related conditions. This variant is present in population databases (rs749512218, gnomAD 0.009%).

Blueprint Genetics
Classification: Uncertain significance. Last evaluated: 2019-11-15. Review status: criteria provided, single submitter. Criteria: ACMG Guidelines, 2015. Collection method: clinical testing. Allele origin: germline.

NM_001164665.2(KIAA1549):c.2081C>T (p.Ser694Leu)

Gene: KIAA1549 (KIAA1549; minus strand). Cytogenetic location: 7q34.
Variant type: single nucleotide variant.
Coding change: c.2081C>T on transcript NM_001164665.2 (MANE Select); coding-DNA position 2081, C replaced by T.
Protein change: p.Ser694Leu; replaces serine 694 with leucine.
Molecular consequence: missense variant.
Genome position (GRCh38, 1-based): chr7:138,917,545, G>A on the plus strand (C>T on the coding strand, the complement: KIAA1549 is on the minus strand). VCF-style: chr7-138917545-G-A. GRCh37 (hg19) VCF-style: chr7-138602291-G-A.
Other names: c.2081C>T, p.Ser694Leu (NM_020910.3); short protein forms S694L.
Identifiers: ClinVar variation 1350420 (VCV001350420.9), dbSNP rs749512218, ClinGen allele CA4506577.
Genomic context (GRCh38, chr7:138,917,545, plus strand): 5'-GAACGGCTAGGTAGCAACATGATGGTGTTTAAAGGCAGCTCGGAACTTGGCTGGAGCTGC[G>A]AAAACTCAAGATTTGTGGAACTGGGAAGAGACAGCTGAGATGACTGCAGATCACTAGAGT-3'
Protein context (NP_001158137.1, residues 684-704): SLPSSTNLEF[Ser694Leu]QLQPSSELPL